The following is an entry in ClinVar:

ClinVar aggregate classification (germline): Uncertain significance. Review status: criteria provided, multiple submitters, no conflicts (2 of 4 stars). 4 submissions from 4 submitters: Uncertain significance (2). 2 of the submissions do not count toward it. Last evaluated 2023-12-19.

Conditions:
Cardiovascular phenotype. Identifiers: MedGen CN230736.

gnomAD v4.1: 23 of 1,613,576 alleles (0.0014%); highest among the groups gnomAD compares: Non-Finnish European, 0.0019%; no homozygotes.

Submissions (4):

Revvity Omics, Revvity
Classification: Uncertain significance. Last evaluated: 2023-12-19. Review status: criteria provided, single submitter. Criteria: ACMG Guidelines, 2015. Collection method: clinical testing. Allele origin: germline.

Ambry Genetics
Classification: Uncertain significance for Cardiovascular phenotype. Last evaluated: 2019-09-26. Review status: criteria provided, single submitter. Criteria: Ambry Variant Classification Scheme 2023. Collection method: clinical testing. Allele origin: germline.
Comment: The p.E23840K variant (also known as c.71518G>A), located in coding exon 180 of the TTN gene, results from a G to A substitution at nucleotide position 71518. The glutamic acid at codon 23840 is replaced by lysine, an amino acid with similar properties. This amino acid position is highly conserved in available vertebrate species. In addition, this alteration is predicted to be tolerated by in silico analysis. Since supporting evidence is limited at this time, the clinical significance of this alteration remains unclear.

Clinical Genetics, Academic Medical Center
Classification: Uncertain significance. Review status: no assertion criteria provided. Collection method: clinical testing. Allele origin: germline. Affected: yes. Study: VKGL Data-share Consensus. Not counted in ClinVar's aggregate classification.

Genome Diagnostics Laboratory, University Medical Center Utrecht
Classification: Uncertain significance. Review status: no assertion criteria provided. Collection method: clinical testing. Allele origin: germline. Affected: yes. Study: VKGL Data-share Consensus. Not counted in ClinVar's aggregate classification.

NM_001267550.2(TTN):c.98713G>A (p.Glu32905Lys)

Genes: TTN (titin; minus strand), TTN-AS1 (TTN antisense RNA 1; plus strand). Cytogenetic location: 2q31.2.
Variant type: single nucleotide variant.
Coding change: c.98713G>A on transcript NM_001267550.2 (MANE Select); coding-DNA position 98713, G replaced by A.
Protein change: p.Glu32905Lys; replaces glutamic acid 32905 with lysine.
Molecular consequence: missense variant. On other transcripts: non-coding transcript variant (1).
Genome position (GRCh38, 1-based): chr2:178,539,222, C>T on the plus strand (G>A on the coding strand, the complement: TTN is on the minus strand). VCF-style: chr2-178539222-C-T. GRCh37 (hg19) VCF-style: chr2-179403949-C-T.
Other names: c.93790G>A, p.Glu31264Lys (NM_001256850.1); c.71518G>A, p.Glu23840Lys (NM_003319.4); c.91009G>A, p.Glu30337Lys (NM_133378.4); c.71893G>A, p.Glu23965Lys (NM_133432.3); c.72094G>A, p.Glu24032Lys (NM_133437.4); short protein forms E23840K, E23965K, E24032K, E30337K, E31264K, E32905K.
Identifiers: ClinVar variation 1284790 (VCV001284790.5), dbSNP rs763344306, ClinGen allele CA349431788.